The following is an entry in ClinVar:

ClinVar aggregate classification (germline): Uncertain significance (1 of 4 stars; one submission).

Submission:

CeGaT Center for Human Genetics Tuebingen
Classification: Uncertain significance. Last evaluated: 2024-01-01. Review status: criteria provided, single submitter. Criteria: CeGaT Center For Human Genetics Tuebingen Variant Classification Criteria Version 2. Collection method: clinical testing. Allele origin: germline. Affected: yes. Observed: 1 variant allele.
Comment: OGT: PM2, PP2

NM_181672.3(OGT):c.427G>A (p.Val143Ile)

Gene: OGT (O-linked N-acetylglucosamine (GlcNAc) transferase; plus strand). Cytogenetic location: Xq13.1.
Variant type: single nucleotide variant.
Coding change: c.427G>A on transcript NM_181672.3 (MANE Select); coding-DNA position 427, G replaced by A.
Protein change: p.Val143Ile; replaces valine 143 with isoleucine.
Molecular consequence: missense variant.
Genome position (GRCh38, 1-based): chrX:71,538,037, G>A. VCF-style: chrX-71538037-G-A. GRCh37 (hg19) VCF-style: chrX-70757887-G-A.
Other names: c.397G>A, p.Val133Ile (NM_181673.3); short protein forms V133I, V143I.
Identifiers: ClinVar variation 3027080 (VCV003027080.22), dbSNP rs948915983, ClinGen allele CA331028745.